The following is an entry in ClinVar:

NM_152594.3(SPRED1):c.1195A>G (p.Lys399Glu)

Gene: SPRED1 (sprouty related EVH1 domain containing 1; plus strand). Cytogenetic location: 15q14.
Variant type: single nucleotide variant.
Coding change: c.1195A>G on transcript NM_152594.3 (MANE Select); coding-DNA position 1195, A replaced by G.
Protein change: p.Lys399Glu; replaces lysine 399 with glutamic acid.
Molecular consequence: missense variant.
Genome position (GRCh38, 1-based): chr15:38,351,524, A>G. VCF-style: chr15-38351524-A-G. GRCh37 (hg19) VCF-style: chr15-38643725-A-G.
Other names: short protein forms K399E.
Identifiers: ClinVar variation 4743979 (VCV004743979.1).

ClinVar aggregate classification (germline): Uncertain significance (1 of 4 stars; one submission).

Conditions:
Legius syndrome. Identifiers: Orphanet 137605, MedGen C1969623, MONDO:0012669, OMIM 611431. Disease mechanism: loss of function.

Submission:

Labcorp Genetics (formerly Invitae), Labcorp
Classification: Uncertain significance for Legius syndrome. Last evaluated: 2025-02-12. Review status: criteria provided, single submitter. Criteria: Invitae Variant Classification Sherloc (09022015). Collection method: clinical testing. Allele origin: germline.
Comment: This sequence change replaces lysine, which is basic and polar, with glutamic acid, which is acidic and polar, at codon 399 of the SPRED1 protein (p.Lys399Glu). This variant is not present in population databases (gnomAD no frequency). This variant has not been reported in the literature in individuals affected with SPRED1-related conditions. Invitae Evidence Modeling of protein sequence and biophysical properties (such as structural, functional, and spatial information, amino acid conservation, physicochemical variation, residue mobility, and thermodynamic stability) indicates that this missense variant is not expected to disrupt SPRED1 protein function with a negative predictive value of 80%. In summary, the available evidence is currently insufficient to determine the role of this variant in disease. Therefore, it has been classified as a Variant of Uncertain Significance.